The following is an entry in ClinVar:

ClinVar aggregate classification (germline): Uncertain significance (1 of 4 stars; one submission).

Conditions:
Cardiovascular phenotype. Identifiers: MedGen CN230736.

Submission:

Ambry Genetics
Classification: Uncertain significance for Cardiovascular phenotype. Last evaluated: 2026-09-11. Review status: criteria provided, single submitter. Criteria: Ambry Variant Classification Scheme 2023. Collection method: clinical testing. Allele origin: germline.
Comment: The p.K3321Q variant (also known as c.9961A>C), located in coding exon 26 of the APOB gene, results from an A to C substitution at nucleotide position 9961. The lysine at codon 3321 is replaced by glutamine, an amino acid with similar properties. This amino acid position is conserved. In addition, this alteration is predicted to be tolerated by in silico analysis. Based on the available evidence, the clinical significance of this variant remains unclear.

NM_000384.3(APOB):c.9961A>C (p.Lys3321Gln)

Gene: APOB (apolipoprotein B; minus strand). Cytogenetic location: 2p24.1.
Variant type: single nucleotide variant.
Coding change: c.9961A>C on transcript NM_000384.3 (MANE Select); coding-DNA position 9961, A replaced by C.
Protein change: p.Lys3321Gln; replaces lysine 3321 with glutamine.
Molecular consequence: missense variant.
Genome position (GRCh38, 1-based): chr2:21,006,907, T>G on the plus strand (A>C on the coding strand, the complement: APOB is on the minus strand). VCF-style: chr2-21006907-T-G. GRCh37 (hg19) VCF-style: chr2-21229779-T-G.
Other names: short protein forms K3321Q.
Identifiers: ClinVar variation 3127930 (VCV003127930.2), dbSNP rs2465361191, ClinGen allele CA345988147.